The following is an entry in ClinVar:

ClinVar aggregate classification (germline): Conflicting classifications of pathogenicity. Review status: criteria provided, conflicting classifications (1 of 4 stars). 8 submissions from 8 submitters: Uncertain significance (6); Likely benign (1). 1 of the submissions does not count toward it. Last evaluated 2024-12-09.

Conditions:
Mitochondrial trifunctional protein deficiency. Identifiers: Orphanet 746, MedGen C1969443, MONDO:0012172.
Long chain 3-hydroxyacyl-CoA dehydrogenase deficiency. Also called: LCHAD Deficiency; Deficiency of long-chain 3-hydroxyacyl-coenzyme A dehydrogenase. Identifiers: Orphanet 5, MedGen C3711645, MONDO:0012173, OMIM 609016.
Inborn genetic diseases. Identifiers: MedGen C0950123, MeSH D030342.

Allele frequency attached by ClinVar (database versions not stated): TOPMed 0.00002; gnomAD 0.00003.
gnomAD v4.1: 15 of 1,536,842 alleles (0.00098%); highest among the groups gnomAD compares: Middle Eastern, 0.13%; no homozygotes.

Submissions (8):

Labcorp Genetics (formerly Invitae), Labcorp
Classification: Uncertain significance for Mitochondrial trifunctional protein deficiency; Long chain 3-hydroxyacyl-CoA dehydrogenase deficiency. Last evaluated: 2024-12-09. Review status: criteria provided, single submitter. Criteria: Invitae Variant Classification Sherloc (09022015). Collection method: clinical testing. Allele origin: germline.
Comment: This sequence change replaces alanine, which is neutral and non-polar, with serine, which is neutral and polar, at codon 485 of the HADHA protein (p.Ala485Ser). This variant is present in population databases (no rsID available, gnomAD 0.007%). This variant has not been reported in the literature in individuals affected with HADHA-related conditions. ClinVar contains an entry for this variant (Variation ID: 393282). Invitae Evidence Modeling of protein sequence and biophysical properties (such as structural, functional, and spatial information, amino acid conservation, physicochemical variation, residue mobility, and thermodynamic stability) indicates that this missense variant is not expected to disrupt HADHA protein function with a negative predictive value of 80%. In summary, the available evidence is currently insufficient to determine the role of this variant in disease. Therefore, it has been classified as a Variant of Uncertain Significance.

Blueprint Genetics
Classification: Likely benign. Last evaluated: 2024-09-25. Review status: criteria provided, single submitter. Criteria: ACMG Guidelines, 2015. Collection method: clinical testing. Allele origin: germline.

Mayo Clinic Laboratories, Mayo Clinic
Classification: Uncertain significance. Last evaluated: 2024-02-15. Review status: criteria provided, single submitter. Criteria: ACMG Guidelines, 2015. Collection method: clinical testing. Allele origin: germline. Observed: 1 variant allele.
Comment: PM2

Ambry Genetics
Classification: Uncertain significance for Inborn genetic diseases. Last evaluated: 2024-01-23. Review status: criteria provided, single submitter. Criteria: Ambry Variant Classification Scheme 2023. Collection method: clinical testing. Allele origin: germline.

GeneDx
Classification: Uncertain significance. Last evaluated: 2023-11-28. Review status: criteria provided, single submitter. Criteria: GeneDx Variant Classification Process June 2021. Collection method: clinical testing. Allele origin: germline. Affected: yes.
Comment: Not observed at significant frequency in large population cohorts (gnomAD); In silico analysis supports that this missense variant has a deleterious effect on protein structure/function; Has not been previously published as pathogenic or benign to our knowledge

Baylor Genetics
Classification: Uncertain significance for Long chain 3-hydroxyacyl-CoA dehydrogenase deficiency. Last evaluated: 2019-07-12. Review status: criteria provided, single submitter. Criteria: ACMG Guidelines, 2015. Collection method: clinical testing. Allele origin: unknown. Affected: yes.
Comment: This variant was determined to be of uncertain significance according to ACMG Guidelines, 2015 [PMID:25741868].

Breakthrough Genomics
Classification: Uncertain significance. Review status: criteria provided, single submitter. Criteria: ACMG Guidelines, 2015. Collection method: not provided. Allele origin: germline. Inheritance: Autosomal recessive inheritance. Affected: yes.

Natera, Inc.
Classification: Uncertain significance for Deficiency of long-chain 3-hydroxyacyl-coenzyme A dehydrogenase. Last evaluated: 2020-09-16. Review status: no assertion criteria provided. Collection method: clinical testing. Allele origin: germline. Not counted in ClinVar's aggregate classification.

NM_000182.5(HADHA):c.1453G>T (p.Ala485Ser)

Genes: GAREM2 (GRB2 associated regulator of MAPK1 subtype 2; plus strand), HADHA (hydroxyacyl-CoA dehydrogenase trifunctional multienzyme complex subunit alpha; minus strand). Cytogenetic location: 2p23.3.
Variant type: single nucleotide variant.
Coding change: c.1453G>T on transcript NM_000182.5 (MANE Select); coding-DNA position 1453, G replaced by T.
Protein change: p.Ala485Ser; replaces alanine 485 with serine.
Molecular consequence: missense variant.
Genome position (GRCh38, 1-based): chr2:26,197,717, C>A on the plus strand (G>T on the coding strand, the complement: HADHA is on the minus strand). VCF-style: chr2-26197717-C-A. GRCh37 (hg19) VCF-style: chr2-26420586-C-A.
Other names: p.Ala485Ser; short protein forms A485S.
Identifiers: ClinVar variation 393282 (VCV000393282.14), dbSNP rs958717402, ClinGen allele CA16604176.